The following is an entry in ClinVar:

ClinVar aggregate classification (germline): Benign. Review status: criteria provided, multiple submitters, no conflicts (2 of 4 stars). 3 submissions from 3 submitters: Benign (3). Last evaluated 2018-05-24.

Conditions:
Familial renal glucosuria (GLYS). Also called: RENAL GLUCOSURIA, AUTOSOMAL DOMINANT; Familial renal glycosuria. Identifiers: Orphanet 69076, MedGen C3245525, MONDO:0009297, OMIM 233100.

Allele frequency attached by ClinVar (database versions not stated): gnomAD exomes 0.00163 and 0.00431; 1000 Genomes Project 30x 0.01952; gnomAD 0.01685 and 0.01800; ExAC 0.00560; 1000 Genomes Project 0.01737; TOPMed 0.01858; ESP Exome Variant Server 0.01870.
gnomAD v4.1: 5,059 of 1,613,544 alleles (0.31%); highest among the groups gnomAD compares: African/African-American, 5.9%; 151 homozygotes.

Submissions (3):

Labcorp Genetics (formerly Invitae), Labcorp
Classification: Benign. Last evaluated: 2018-05-24. Review status: criteria provided, single submitter. Criteria: Invitae Variant Classification Sherloc (09022015). Collection method: clinical testing. Allele origin: germline.

Illumina Laboratory Services, Illumina
Classification: Benign for Familial renal glucosuria. Last evaluated: 2018-01-12. Review status: criteria provided, single submitter. Criteria: ICSL Variant Classification Criteria 13 December 2019. Collection method: clinical testing. Allele origin: germline.
Comment: This variant was observed in the ICSL laboratory as part of a predisposition screen in an ostensibly healthy population. It had not been previously curated by ICSL or reported in the Human Gene Mutation Database (HGMD: prior to June 1st, 2018), and was therefore a candidate for classification through an automated scoring system. Utilizing variant allele frequency, disease prevalence and penetrance estimates, and inheritance mode, an automated score was calculated to assess if this variant is too frequent to cause the disease. Based on the score and internal cut-off values, a variant classified as benign is not then subjected to further curation. The score for this variant resulted in a classification of benign for this disease.

Breakthrough Genomics
Classification: Benign. Review status: criteria provided, single submitter. Criteria: ACMG Guidelines, 2015. Collection method: not provided. Allele origin: germline. Inheritance: Autosomal dominant inheritance. Affected: yes.

NM_003041.4(SLC5A2):c.1885A>G (p.Thr629Ala)

Genes: RUSF1 (RUS family member 1; minus strand), SLC5A2 (solute carrier family 5 member 2; plus strand). Cytogenetic location: 16p11.2.
Variant type: single nucleotide variant.
Coding change: c.1885A>G on transcript NM_003041.4 (MANE Select); coding-DNA position 1885, A replaced by G.
Protein change: p.Thr629Ala; replaces threonine 629 with alanine.
Molecular consequence: missense variant. On other transcripts: 3 prime UTR variant (1), non-coding transcript variant (1).
Genome position (GRCh38, 1-based): chr16:31,490,401, A>G. VCF-style: chr16-31490401-A-G. GRCh37 (hg19) VCF-style: chr16-31501722-A-G.
Other names: c.*434T>C (NM_022744.4); short protein forms T629A.
Identifiers: ClinVar variation 319077 (VCV000319077.9), dbSNP rs61741237, ClinGen allele CA8031366.